The following is an entry in ClinVar:

NM_001321967.2(ATAD1):c.261+9C>A

Gene: ATAD1 (ATPase family AAA domain containing 1; minus strand). Cytogenetic location: 10q23.31.
Variant type: single nucleotide variant.
Coding change: c.261+9C>A on transcript NM_001321967.2 (MANE Select); 9 bases into the intron after coding-DNA position 261, C replaced by A.
Molecular consequence: intron variant.
Genome position (GRCh38, 1-based): chr10:87,792,648, G>T on the plus strand (C>A on the coding strand, the complement: ATAD1 is on the minus strand). VCF-style: chr10-87792648-G-T. GRCh37 (hg19) VCF-style: chr10-89552405-G-T.
Other names: c.261+9C>A (NM_001321968.2, NM_032810.4); c.-187+9C>A (NM_001321969.2).
Identifiers: ClinVar variation 3039534 (VCV003039534.2), dbSNP rs1456201686, ClinGen allele CA930920306.

ClinVar aggregate classification (germline): Likely benign (0 of 4 stars; one submission).

Conditions:
ATAD1-related disorder. Also called: ATAD1-related condition.

Allele frequency attached by ClinVar (database versions not stated): gnomAD 0.00001.

Submission:

PreventionGenetics, part of Exact Sciences
Classification: Likely benign for ATAD1-related condition. Last evaluated: 2019-05-24. Review status: no assertion criteria provided. Collection method: clinical testing. Allele origin: germline.
Comment: This variant is classified as likely benign based on ACMG/AMP sequence variant interpretation guidelines (Richards et al. 2015 PMID: 25741868, with internal and published modifications).